The following is an entry in ClinVar:

ClinVar aggregate classification (germline): Uncertain significance (1 of 4 stars; one submission).

Conditions:
Renal coloboma syndrome (PAPRS). Also called: OPTIC COLOBOMA, VESICOURETERAL REFLUX, AND RENAL ANOMALIES; OPTIC NERVE COLOBOMA WITH RENAL DISEASE; RENAL-COLOBOMA SYNDROME WITH MACULAR ABNORMALITIES; PAPILLORENAL SYNDROME WITH MILD OCULAR ABNORMALITIES; CONGENITAL ANOMALIES OF THE KIDNEY AND URINARY TRACT WITH OR WITHOUT OCULAR ABNORMALITIES; CAKUT WITH OR WITHOUT OCULAR ABNORMALITIES. Identifiers: Orphanet 1475, MedGen C1852759, MONDO:0007352, OMIM 120330.
Focal segmental glomerulosclerosis 7 (FSGS7). Identifiers: Orphanet 656, MedGen C4014925, MONDO:0014451, OMIM 616002.

gnomAD v4.1: 22 of 1,614,124 alleles (0.0014%); highest among the groups gnomAD compares: Non-Finnish European, 0.0019%; no homozygotes.

Submission:

Labcorp Genetics (formerly Invitae), Labcorp
Classification: Uncertain significance for Renal coloboma syndrome; Focal segmental glomerulosclerosis 7. Last evaluated: 2025-10-02. Review status: criteria provided, single submitter. Criteria: Invitae Variant Classification Sherloc (09022015). Collection method: clinical testing. Allele origin: germline.
Comment: This sequence change replaces proline, which is neutral and non-polar, with arginine, which is basic and polar, at codon 213 of the PAX2 protein (p.Pro213Arg). This variant is not present in population databases (gnomAD no frequency). This variant has not been reported in the literature in individuals affected with PAX2-related conditions. ClinVar contains an entry for this variant (Variation ID: 1953541). Experimental studies and prediction algorithms are not available or were not evaluated, and the functional significance of this variant is currently unknown. In summary, the available evidence is currently insufficient to determine the role of this variant in disease. Therefore, it has been classified as a Variant of Uncertain Significance.

NM_000278.5(PAX2):c.638C>G (p.Pro213Arg)

Gene: PAX2 (paired box 2; plus strand). Cytogenetic location: 10q24.31.
Variant type: single nucleotide variant.
Coding change: c.638C>G on transcript NM_000278.5 (MANE Select); coding-DNA position 638, C replaced by G.
Protein change: p.Pro213Arg; replaces proline 213 with arginine.
Molecular consequence: missense variant.
Genome position (GRCh38, 1-based): chr10:100,806,451, C>G. VCF-style: chr10-100806451-C-G. GRCh37 (hg19) VCF-style: chr10-102566208-C-G.
Other names: c.731C>G, p.Pro244Arg (NM_001304569.2); c.707C>G, p.Pro236Arg (NM_003987.5, NM_003990.5); c.638C>G, p.Pro213Arg (NM_003988.5, NM_003989.5); short protein forms P213R, P236R, P244R.
Identifiers: ClinVar variation 1953541 (VCV001953541.5), dbSNP rs773878788, ClinGen allele CA378258896.